The following is an entry in ClinVar:

ClinVar aggregate classification (germline): Uncertain significance (1 of 4 stars; one submission).

Allele frequency attached by ClinVar (database versions not stated): gnomAD exomes 0.00001; ExAC 0.00002; TOPMed 0.00002.

Submission:

Labcorp Genetics (formerly Invitae), Labcorp
Classification: Uncertain significance. Last evaluated: 2022-07-19. Review status: criteria provided, single submitter. Criteria: Invitae Variant Classification Sherloc (09022015). Collection method: clinical testing. Allele origin: germline.
Comment: In summary, the available evidence is currently insufficient to determine the role of this variant in disease. Therefore, it has been classified as a Variant of Uncertain Significance. Algorithms developed to predict the effect of missense changes on protein structure and function output the following: SIFT: "Tolerated"; PolyPhen-2: "Possibly Damaging"; Align-GVGD: "Class C0". The lysine amino acid residue is found in multiple mammalian species, which suggests that this missense change does not adversely affect protein function. ClinVar contains an entry for this variant (Variation ID: 1503676). This variant has not been reported in the literature in individuals affected with DNASE2-related conditions. This variant is present in population databases (rs778611100, gnomAD 0.01%). This sequence change replaces asparagine, which is neutral and polar, with lysine, which is basic and polar, at codon 212 of the DNASE2 protein (p.Asn212Lys).

NM_001375.3(DNASE2):c.636C>A (p.Asn212Lys)

Gene: DNASE2 (deoxyribonuclease 2, lysosomal; minus strand). Cytogenetic location: 19p13.13.
Variant type: single nucleotide variant.
Coding change: c.636C>A on transcript NM_001375.3 (MANE Select); coding-DNA position 636, C replaced by A.
Protein change: p.Asn212Lys; replaces asparagine 212 with lysine.
Molecular consequence: missense variant.
Genome position (GRCh38, 1-based): chr19:12,878,455, G>T on the plus strand (C>A on the coding strand, the complement: DNASE2 is on the minus strand). VCF-style: chr19-12878455-G-T. GRCh37 (hg19) VCF-style: chr19-12989269-G-T.
Other names: short protein forms N212K.
Identifiers: ClinVar variation 1503676 (VCV001503676.8), dbSNP rs778611100, ClinGen allele CA9233731.